The following is an entry in ClinVar:

ClinVar aggregate classification (germline): Conflicting classifications of pathogenicity. Review status: criteria provided, conflicting classifications (1 of 4 stars). 8 submissions from 4 submitters: Uncertain significance (5); Benign (2); Likely benign (1). Last evaluated 2026-02-04.

Conditions:
Diastrophic dysplasia (DTD). Also called: Diastrophic dwarfism. Identifiers: Orphanet 628, MedGen C0220726, MONDO:0009107, OMIM 222600.
Achondrogenesis, type IB (ACG1B). Also called: Achondrogenesis Type 1B. Identifiers: Orphanet 932, Orphanet 93298, MedGen C0265274, MONDO:0010966, OMIM 600972.
Multiple epiphyseal dysplasia type 4 (EDM4). Also called: MULTIPLE EPIPHYSEAL DYSPLASIA WITH BILAYERED PATELLAE; MULTIPLE EPIPHYSEAL DYSPLASIA WITH CLUBFOOT; MULTIPLE EPIPHYSEAL DYSPLASIA, AUTOSOMAL RECESSIVE; Multiple Epiphyseal Dysplasia, Recessive; SLC26A2-Related Multiple Epiphyseal Dysplasia. Identifiers: Orphanet 93307, MedGen C1847593, MONDO:0009189, OMIM 226900.
Atelosteogenesis type II (AO2). Also called: NEONATAL OSSEOUS DYSPLASIA I; Neonatal osseous dysplasia 1; SLC26A2-Related Atelosteogenesis. Identifiers: Orphanet 56304, MedGen C1850554, MONDO:0009727, OMIM 256050.
Sulfate transporter-related osteochondrodysplasia. Also called: DTDST-related dysplasias. Identifiers: MedGen CN120497. Disease mechanism: loss of function.

Allele frequency attached by ClinVar (database versions not stated): 1000 Genomes Project 30x 0.00016; 1000 Genomes Project 0.00020; gnomAD 0.00022; gnomAD exomes 0.00027 and 0.00058; ESP Exome Variant Server 0.00038; ExAC 0.00047; TOPMed 0.00047.

Submissions (8):

Labcorp Genetics (formerly Invitae), Labcorp
Classification: Benign for Atelosteogenesis type II; Multiple epiphyseal dysplasia type 4; Achondrogenesis, type IB; Diastrophic dysplasia. Last evaluated: 2026-02-04. Review status: criteria provided, single submitter. Criteria: Invitae Variant Classification Sherloc (09022015). Collection method: clinical testing. Allele origin: germline.

Blueprint Genetics
Classification: Likely benign. Last evaluated: 2024-10-23. Review status: criteria provided, single submitter. Criteria: ACMG Guidelines, 2015. Collection method: clinical testing. Allele origin: germline.

Illumina Laboratory Services, Illumina
Classification: Uncertain significance for Achondrogenesis, type IB. Last evaluated: 2017-04-27. Review status: criteria provided, single submitter. Criteria: ICSL Variant Classification Criteria 13 December 2019. Collection method: clinical testing. Allele origin: germline.
Comment: This variant was observed as part of a predisposition screen in an ostensibly healthy population. A literature search was performed for the gene, cDNA change, and amino acid change (where applicable). Publications were found based on this search. However, the evidence from the literature, in combination with allele frequency data from public databases where available, was not sufficient to rule this variant in or out of causing disease. Therefore, this variant is classified as a variant of unknown significance.

Illumina Laboratory Services, Illumina
Classification: Uncertain significance for Atelosteogenesis type II. Last evaluated: 2017-04-27. Review status: criteria provided, single submitter. Criteria: ICSL Variant Classification Criteria 13 December 2019. Collection method: clinical testing. Allele origin: germline.
Comment: the same text as in the submission from Illumina Laboratory Services, Illumina above.

Illumina Laboratory Services, Illumina
Classification: Uncertain significance for Osteochondrodysplasia. Last evaluated: 2017-04-27. Review status: criteria provided, single submitter. Criteria: ICSL Variant Classification Criteria 13 December 2019. Collection method: clinical testing. Allele origin: germline.
Comment: the same text as in the submission from Illumina Laboratory Services, Illumina above.

Illumina Laboratory Services, Illumina
Classification: Uncertain significance for Diastrophic dysplasia. Last evaluated: 2017-04-27. Review status: criteria provided, single submitter. Criteria: ICSL Variant Classification Criteria 13 December 2019. Collection method: clinical testing. Allele origin: germline.
Comment: the same text as in the submission from Illumina Laboratory Services, Illumina above.

Illumina Laboratory Services, Illumina
Classification: Uncertain significance for Multiple epiphyseal dysplasia type 4. Last evaluated: 2017-04-27. Review status: criteria provided, single submitter. Criteria: ICSL Variant Classification Criteria 13 December 2019. Collection method: clinical testing. Allele origin: germline.
Comment: the same text as in the submission from Illumina Laboratory Services, Illumina above.

PreventionGenetics, part of Exact Sciences
Classification: Benign. Review status: criteria provided, single submitter. Criteria: ACMG Guidelines, 2015. Collection method: clinical testing. Allele origin: germline.

Literature cited by the submitters: PubMed 11558903 (cited by Illumina Laboratory Services, Illumina).

NM_000112.4(SLC26A2):c.2046G>A (p.Leu682=)

Gene: SLC26A2 (solute carrier family 26 member 2; plus strand). Cytogenetic location: 5q32.
Variant type: single nucleotide variant.
Coding change: c.2046G>A on transcript NM_000112.4 (MANE Select); coding-DNA position 2046, G replaced by A.
Protein change: p.Leu682=; no amino-acid change (leucine 682 retained).
Molecular consequence: synonymous variant.
Genome position (GRCh38, 1-based): chr5:149,981,639, G>A. VCF-style: chr5-149981639-G-A. GRCh37 (hg19) VCF-style: chr5-149361202-G-A.
Identifiers: ClinVar variation 255132 (VCV000255132.17), dbSNP rs116657359, ClinGen allele CA3505542.
Genomic context (GRCh38, chr5:149,981,639, plus strand): 5'-AGGGATCCACACACTGAAAGAAGTTCGCAGAGATTATGAAGCCATTGGAATCCAGGTTCT[G>A]CTGGCTCAGTGCAATCCCACTGTGAGGGATTCCCTAACCAACGGAGAATATTGCAAAAAG-3'
Protein context (NP_000103.2, residues 672-692): RDYEAIGIQV[Leu682=]LAQCNPTVRD